The following is an entry in ClinVar:

NM_000368.5(TSC1):c.953T>C (p.Met318Thr)

Gene: TSC1 (TSC complex subunit 1; minus strand). Cytogenetic location: 9q34.13.
Variant type: single nucleotide variant.
Coding change: c.953T>C on transcript NM_000368.5 (MANE Select); coding-DNA position 953, T replaced by C.
Protein change: p.Met318Thr; replaces methionine 318 with threonine.
Molecular consequence: missense variant. On other transcripts: initiator codon variant (3), 5 prime UTR variant (2), non-coding transcript variant (5).
Genome position (GRCh38, 1-based): chr9:132,911,529, A>G on the plus strand (T>C on the coding strand, the complement: TSC1 is on the minus strand). VCF-style: chr9-132911529-A-G. GRCh37 (hg19) VCF-style: chr9-135786916-A-G.
Other names: c.953T>C, p.Met318Thr (NM_001406605.1, NM_001406606.1, NM_001406607.1 and 16 more transcripts); c.800T>C, p.Met267Thr (NM_001406610.1, NM_001406611.1, NM_001406612.1 and 2 more transcripts); c.590T>C, p.Met197Thr (NM_001406614.1, NM_001406624.1, NM_001406625.1 and 10 more transcripts); c.2T>C, p.Met1Thr (NM_001406626.1, NM_001406627.1, NM_001406628.1); c.-141T>C (NM_001406629.1, NM_001406630.1); short protein forms M197T, M1T, M267T, M318T.
Identifiers: ClinVar variation 3905922 (VCV003905922.10).

ClinVar aggregate classification (germline): Uncertain significance (1 of 4 stars; one submission).

Submission:

CeGaT Center for Human Genetics Tuebingen
Classification: Uncertain significance. Last evaluated: 2025-05-01. Review status: criteria provided, single submitter. Criteria: CeGaT Center For Human Genetics Tuebingen Variant Classification Criteria Version 2. Collection method: clinical testing. Allele origin: germline. Affected: yes. Observed: 1 variant allele.
Comment: TSC1: PM2, PP2, BP4